The following is an entry in ClinVar:

ClinVar aggregate classification (germline): Benign. Review status: criteria provided, multiple submitters, no conflicts (2 of 4 stars). 2 submissions from 2 submitters: Benign (2). Last evaluated 2018-06-14.

Allele frequency attached by ClinVar (database versions not stated): 1000 Genomes Project 0.33926; 1000 Genomes Project 30x 0.33979; gnomAD 0.34954 and 0.35233; TOPMed 0.35140.
gnomAD v4.1: 53,204 of 151,944 alleles (35%); highest among the groups gnomAD compares: African/African-American, 41%; 9,509 homozygotes.

Submissions (2):

GeneDx
Classification: Benign. Last evaluated: 2018-06-14. Review status: criteria provided, single submitter. Criteria: GeneDx Variant Classification (06012015). Collection method: clinical testing. Allele origin: germline. Affected: yes.
Comment: This variant is considered likely benign or benign based on one or more of the following criteria: it is a conservative change, it occurs at a poorly conserved position in the protein, it is predicted to be benign by multiple in silico algorithms, and/or has population frequency not consistent with disease.

Breakthrough Genomics
Classification: Benign. Review status: criteria provided, single submitter. Criteria: ACMG Guidelines, 2015. Collection method: not provided. Allele origin: germline. Inheritance: Autosomal recessive inheritance. Affected: yes.

NM_206933.4(USH2A):c.10183-260A>C

Gene: USH2A (usherin; minus strand). Cytogenetic location: 1q41.
Variant type: single nucleotide variant.
Coding change: c.10183-260A>C on transcript NM_206933.4 (MANE Select); 260 bases into the intron before coding-DNA position 10183, A replaced by C.
Molecular consequence: intron variant.
Genome position (GRCh38, 1-based): chr1:215,787,134, T>G on the plus strand (A>C on the coding strand, the complement: USH2A is on the minus strand). VCF-style: chr1-215787134-T-G. GRCh37 (hg19) VCF-style: chr1-215960476-T-G.
Identifiers: ClinVar variation 672464 (VCV000672464.2), dbSNP rs11804198, ClinGen allele CA37441236.